The following is an entry in ClinVar:

ClinVar aggregate classification (germline): Uncertain significance (1 of 4 stars; one submission).

Submission:

Labcorp Genetics (formerly Invitae), Labcorp
Classification: Uncertain significance. Last evaluated: 2024-10-30. Review status: criteria provided, single submitter. Criteria: Invitae Variant Classification Sherloc (09022015). Collection method: clinical testing. Allele origin: germline.
Comment: This sequence change replaces proline, which is neutral and non-polar, with threonine, which is neutral and polar, at codon 2172 of the CACNA1B protein (p.Pro2172Thr). This variant is not present in population databases (gnomAD no frequency). This variant has not been reported in the literature in individuals affected with CACNA1B-related conditions. ClinVar contains an entry for this variant (Variation ID: 1995088). Invitae Evidence Modeling of protein sequence and biophysical properties (such as structural, functional, and spatial information, amino acid conservation, physicochemical variation, residue mobility, and thermodynamic stability) indicates that this missense variant is not expected to disrupt CACNA1B protein function with a negative predictive value of 80%. In summary, the available evidence is currently insufficient to determine the role of this variant in disease. Therefore, it has been classified as a Variant of Uncertain Significance.

NM_000718.4(CACNA1B):c.6514C>A (p.Pro2172Thr)

Gene: CACNA1B (calcium voltage-gated channel subunit alpha1 B; plus strand). Cytogenetic location: 9q34.3.
Variant type: single nucleotide variant.
Coding change: c.6514C>A on transcript NM_000718.4 (MANE Select); coding-DNA position 6514, C replaced by A.
Protein change: p.Pro2172Thr; replaces proline 2172 with threonine.
Molecular consequence: missense variant. On other transcripts: intron variant (1).
Genome position (GRCh38, 1-based): chr9:138,121,493, C>A. VCF-style: chr9-138121493-C-A. GRCh37 (hg19) VCF-style: chr9-141015945-C-A.
Other names: c.6490-163C>A (NM_001243812.2); short protein forms P2172T.
Identifiers: ClinVar variation 1995088 (VCV001995088.4), dbSNP rs760320086, ClinGen allele CA375823747.